The following is an entry in ClinVar:

NM_000278.5(PAX2):c.254G>A (p.Gly85Asp)

Gene: PAX2 (paired box 2; plus strand). Cytogenetic location: 10q24.31.
Variant type: single nucleotide variant.
Coding change: c.254G>A on transcript NM_000278.5 (MANE Select); coding-DNA position 254, G replaced by A.
Protein change: p.Gly85Asp; replaces glycine 85 with aspartic acid.
Molecular consequence: missense variant.
Genome position (GRCh38, 1-based): chr10:100,750,735, G>A. VCF-style: chr10-100750735-G-A. GRCh37 (hg19) VCF-style: chr10-102510492-G-A.
Other names: c.347G>A, p.Gly116Asp (NM_001304569.2); c.254G>A, p.Gly85Asp (NM_003987.5, NM_003988.5, NM_003989.5 and 1 more transcripts); short protein forms G116D, G85D.
Identifiers: ClinVar variation 3236065 (VCV003236065.1), dbSNP rs2133836347, ClinGen allele CA378257873.

ClinVar aggregate classification (germline): Pathogenic (1 of 4 stars; one submission).

Conditions:
Renal coloboma syndrome (PAPRS). Also called: PAPILLORENAL SYNDROME; CONGENITAL ANOMALIES OF THE KIDNEY AND URINARY TRACT WITH OR WITHOUT OCULAR ABNORMALITIES; CAKUT WITH OR WITHOUT OCULAR ABNORMALITIES; PAPILLORENAL SYNDROME WITH MILD OCULAR ABNORMALITIES; COLOBOMA OF OPTIC NERVE WITH RENAL DISEASE; OPTIC COLOBOMA, VESICOURETERAL REFLUX, AND RENAL ANOMALIES. Identifiers: Orphanet 1475, MedGen C1852759, MONDO:0007352, OMIM 120330.

Submission:

MVZ Medizinische Genetik Mainz
Classification: Pathogenic for Renal coloboma syndrome. Last evaluated: 2024-01-26. Review status: criteria provided, single submitter. Criteria: UK Practice Guidelines For Variant Classification V4 01 2020. Collection method: clinical testing. Allele origin: germline. Inheritance: Autosomal dominant inheritance. Affected: yes. Observed: 1 variant allele.
Comment: ACMG Criteria: PM1,PM5,PP3_MOD,PM2_SUP,PP2